The following is an entry in ClinVar:

NM_002016.2(FLG):c.411T>A (p.Asn137Lys)

Genes: CCDST (cervical cancer associated DHX9 suppressive transcript; plus strand), FLG (filaggrin; minus strand). Cytogenetic location: 1q21.3.
Variant type: single nucleotide variant.
Coding change: c.411T>A on transcript NM_002016.2 (MANE Select); coding-DNA position 411, T replaced by A.
Protein change: p.Asn137Lys; replaces asparagine 137 with lysine.
Molecular consequence: missense variant.
Genome position (GRCh38, 1-based): chr1:152,314,475, A>T on the plus strand (T>A on the coding strand, the complement: FLG is on the minus strand). VCF-style: chr1-152314475-A-T. GRCh37 (hg19) VCF-style: chr1-152286951-A-T.
Other names: short protein forms N137K.
Identifiers: ClinVar variation 2639326 (VCV002639326.24), dbSNP rs777504256, ClinGen allele CA1108014.

ClinVar aggregate classification (germline): Likely benign (1 of 4 stars; one submission).

Allele frequency attached by ClinVar (database versions not stated): gnomAD exomes below 0.00001; ExAC 0.00002; gnomAD 0.00002.
gnomAD v4.1: 12 of 1,609,820 alleles (0.00075%); highest among the groups gnomAD compares: Middle Eastern, 0.016%; no homozygotes.

Submission:

CeGaT Center for Human Genetics Tuebingen
Classification: Likely benign. Last evaluated: 2022-12-01. Review status: criteria provided, single submitter. Criteria: CeGaT Center For Human Genetics Tuebingen Variant Classification Criteria Version 2. Collection method: clinical testing. Allele origin: germline. Affected: yes. Observed: 1 variant allele.
Comment: FLG: BP4